The following is an entry in ClinVar:

ClinVar aggregate classification (germline): Uncertain significance. Review status: criteria provided, multiple submitters, no conflicts (2 of 4 stars). 2 submissions from 2 submitters: Uncertain significance (2). Last evaluated 2024-08-25.

Conditions:
Hereditary cancer-predisposing syndrome. Also called: Neoplastic Syndromes, Hereditary; Tumor predisposition; Hereditary Cancer Syndrome; Hereditary neoplastic syndrome. Identifiers: Orphanet 140162, MedGen C0027672, MeSH D009386, MONDO:0015356.
Rhabdoid tumor predisposition syndrome 2 (RTPS2). Identifiers: Orphanet 231108, Orphanet 69077, MedGen C2750074, MONDO:0013224, OMIM 613325.

Allele frequency attached by ClinVar (database versions not stated): gnomAD exomes below 0.00001.
gnomAD v4.1: 1 of 1,612,076 alleles (0.000062%); highest among the groups gnomAD compares: Non-Finnish European, 0.000085%; no homozygotes.

Submissions (2):

Ambry Genetics
Classification: Uncertain significance for Hereditary cancer-predisposing syndrome. Last evaluated: 2024-08-25. Review status: criteria provided, single submitter. Criteria: Ambry Variant Classification Scheme 2023. Collection method: clinical testing. Allele origin: germline.
Comment: The p.T961A variant (also known as c.2881A>G), located in coding exon 19 of the SMARCA4 gene, results from an A to G substitution at nucleotide position 2881. The threonine at codon 961 is replaced by alanine, an amino acid with similar properties. This amino acid position is conserved. In addition, the in silico prediction for this alteration is inconclusive. Based on the available evidence, the clinical significance of this variant remains unclear.

Labcorp Genetics (formerly Invitae), Labcorp
Classification: Uncertain significance for Rhabdoid tumor predisposition syndrome 2. Last evaluated: 2023-05-24. Review status: criteria provided, single submitter. Criteria: Invitae Variant Classification Sherloc (09022015). Collection method: clinical testing. Allele origin: germline.
Comment: In summary, the available evidence is currently insufficient to determine the role of this variant in disease. Therefore, it has been classified as a Variant of Uncertain Significance. Advanced modeling of protein sequence and biophysical properties (such as structural, functional, and spatial information, amino acid conservation, physicochemical variation, residue mobility, and thermodynamic stability) performed at Invitae indicates that this missense variant is expected to disrupt SMARCA4 protein function. This variant has not been reported in the literature in individuals affected with SMARCA4-related conditions. This variant is not present in population databases (gnomAD no frequency). This sequence change replaces threonine, which is neutral and polar, with alanine, which is neutral and non-polar, at codon 961 of the SMARCA4 protein (p.Thr961Ala).

NM_003072.5(SMARCA4):c.2881A>G (p.Thr961Ala)

Gene: SMARCA4 (SWI/SNF related BAF chromatin remodeling complex subunit ATPase 4; plus strand). Cytogenetic location: 19p13.2.
Variant type: single nucleotide variant.
Coding change: c.2881A>G on transcript NM_003072.5 (MANE Select); coding-DNA position 2881, A replaced by G.
Protein change: p.Thr961Ala; replaces threonine 961 with alanine.
Molecular consequence: missense variant. On other transcripts: non-coding transcript variant (1).
Genome position (GRCh38, 1-based): chr19:11,023,539, A>G. VCF-style: chr19-11023539-A-G. GRCh37 (hg19) VCF-style: chr19-11134215-A-G.
Other names: c.2881A>G, p.Thr961Ala (NM_001128844.3, NM_001128845.2, NM_001128846.2 and 6 more transcripts); c.2881A>G (NM_001128849.1); short protein forms T961A.
Identifiers: ClinVar variation 2780656 (VCV002780656.4), dbSNP rs2146452468, ClinGen allele CA404057509.
Genomic context (GRCh38, chr19:11,023,539, plus strand): 5'-GGAGGTAACGCTTGCTTCTCCTGTCTTGGGGGCTTCCAGGTGGACCTGAATGAGGAGGAA[A>G]CCATTCTCATCATCCGGCGTCTCCACAAAGTGCTGCGGCCCTTCTTGCTCCGACGACTCA-3'
Protein context (NP_003063.2, residues 951-971): GEKVDLNEEE[Thr961Ala]ILIIRRLHKV